The following is an entry in ClinVar:

NM_022716.4(PRRX1):c.310A>G (p.Ser104Gly)

Gene: PRRX1 (paired related homeobox 1; plus strand). Cytogenetic location: 1q24.2.
Variant type: single nucleotide variant.
Coding change: c.310A>G on transcript NM_022716.4 (MANE Select); coding-DNA position 310, A replaced by G.
Protein change: p.Ser104Gly; replaces serine 104 with glycine.
Molecular consequence: missense variant.
Genome position (GRCh38, 1-based): chr1:170,719,794, A>G. VCF-style: chr1-170719794-A-G. GRCh37 (hg19) VCF-style: chr1-170688935-A-G.
Other names: c.310A>G, p.Ser104Gly (NM_006902.5); short protein forms S104G.
Identifiers: ClinVar variation 727923 (VCV000727923.8), dbSNP rs75715275, ClinGen allele CA1239486.

ClinVar aggregate classification (germline): Benign/Likely benign. Review status: criteria provided, multiple submitters, no conflicts (2 of 4 stars). 2 submissions from 2 submitters: Benign (1); Likely benign (1). Last evaluated 2026-03-01.

Allele frequency attached by ClinVar (database versions not stated): gnomAD exomes 0.00027 and 0.00080; ExAC 0.00108; gnomAD 0.00312 and 0.00336; TOPMed 0.00353; 1000 Genomes Project 0.00359; ESP Exome Variant Server 0.00369; 1000 Genomes Project 30x 0.00422.
gnomAD v4.1: 885 of 1,614,236 alleles (0.055%); highest among the groups gnomAD compares: African/African-American, 1.1%; 3 homozygotes.

Submissions (2):

CeGaT Center for Human Genetics Tuebingen
Classification: Likely benign. Last evaluated: 2026-03-01. Review status: criteria provided, single submitter. Criteria: CeGaT Center For Human Genetics Tuebingen Variant Classification Criteria Version 2. Collection method: clinical testing. Allele origin: germline. Affected: yes. Observed: 1 variant allele.
Comment: PRRX1: PP3, BS1

Labcorp Genetics (formerly Invitae), Labcorp
Classification: Benign. Last evaluated: 2019-12-31. Review status: criteria provided, single submitter. Criteria: Invitae Variant Classification Sherloc (09022015). Collection method: clinical testing. Allele origin: germline.